The following is an entry in ClinVar:

NM_020937.4(FANCM):c.2086G>C (p.Asp696His)

Gene: FANCM (FA complementation group M; plus strand). Cytogenetic location: 14q21.2.
Variant type: single nucleotide variant.
Coding change: c.2086G>C on transcript NM_020937.4 (MANE Select); coding-DNA position 2086, G replaced by C.
Protein change: p.Asp696His; replaces aspartic acid 696 with histidine.
Molecular consequence: missense variant.
Genome position (GRCh38, 1-based): chr14:45,170,672, G>C. VCF-style: chr14-45170672-G-C. GRCh37 (hg19) VCF-style: chr14-45639875-G-C.
Other names: c.2008G>C, p.Asp670His (NM_001308133.2); short protein forms D670H, D696H.
Identifiers: ClinVar variation 3848764 (VCV003848764.1).

ClinVar aggregate classification (germline): Uncertain significance (1 of 4 stars; one submission).

Conditions:
Inborn genetic diseases. Identifiers: MedGen C0950123, MeSH D030342.

Submission:

Ambry Genetics
Classification: Uncertain significance for Inborn genetic diseases. Last evaluated: 2025-02-26. Review status: criteria provided, single submitter. Criteria: Ambry Variant Classification Scheme 2023. Collection method: clinical testing. Allele origin: germline.
Comment: The p.D696H variant (also known as c.2086G>C), located in coding exon 12 of the FANCM gene, results from a G to C substitution at nucleotide position 2086. The aspartic acid at codon 696 is replaced by histidine, an amino acid with similar properties. This amino acid position is conserved. In addition, this alteration is predicted to be tolerated by in silico analysis. Based on the available evidence, the clinical significance of this variant remains unclear.